The following is an entry in ClinVar:

ClinVar aggregate classification (germline): Benign/Likely benign. Review status: criteria provided, multiple submitters, no conflicts (2 of 4 stars). 19 submissions from 19 submitters: Benign (8); Likely benign (5). 6 of the submissions do not count toward it. Last evaluated 2026-09-01.

Conditions:
POLG-related disorder. Also called: POLG-related condition; POLG-Related Disorders; POLG-Related Spectrum Disorders. Identifiers: MedGen C4763519.
Inborn genetic diseases. Identifiers: MedGen C0950123, MeSH D030342.
Neuromuscular disease. Also called: Neuromuscular disorder; Neuromyopathy. Identifiers: Orphanet 68381, MedGen C0027868, MeSH D009468, MONDO:0019056.
Hereditary spastic paraplegia. Also called: Familial spastic paraparesis. Identifiers: Orphanet 685, MedGen C0037773, MONDO:0019064. Disease mechanism: loss of function.
Progressive external ophthalmoplegia with mitochondrial DNA deletions, autosomal recessive 1 (PEOB1). Also called: Autosomal Recessive Progressive External Ophthalmoplegia (arPEO); Progressive external ophthalmoplegia, autosomal recessive 1. Identifiers: Orphanet 254886, MedGen C4225153, MONDO:0009783, OMIM 258450.
Progressive sclerosing poliodystrophy (MTDPS4A). Also called: Alpers-Huttenlocher Syndrome (AHS); NEURONAL DEGENERATION OF CHILDHOOD WITH LIVER DISEASE, PROGRESSIVE; ALPERS DIFFUSE DEGENERATION OF CEREBRAL GRAY MATTER WITH HEPATIC CIRRHOSIS; Alpers-Huttenlocher Syndrome; ALPERS PROGRESSIVE INFANTILE POLIODYSTROPHY; Alpers Syndrome. Identifiers: Orphanet 726, MedGen C0205710, MONDO:0008758, OMIM 203700.

Submissions (19):

CeGaT Center for Human Genetics Tuebingen
Classification: Likely benign. Last evaluated: 2026-09-01. Review status: criteria provided, single submitter. Criteria: CeGaT Center For Human Genetics Tuebingen Variant Classification Criteria Version 2. Collection method: clinical testing. Allele origin: germline. Affected: yes. Observed: 71 variant alleles.
Comment: POLG: BS1

Labcorp Genetics (formerly Invitae), Labcorp
Classification: Benign for Progressive sclerosing poliodystrophy. Last evaluated: 2026-02-04. Review status: criteria provided, single submitter. Criteria: Invitae Variant Classification Sherloc (09022015). Collection method: clinical testing. Allele origin: germline.

Athena Diagnostics
Classification: Likely benign. Last evaluated: 2025-11-03. Review status: criteria provided, single submitter. Criteria: Athena Diagnostics Criteria. Collection method: clinical testing. Allele origin: unknown.
Comment: The frequency of this variant in the general population is higher than would generally be expected for pathogenic variants in this gene.

ARUP Laboratories, Molecular Genetics and Genomics, ARUP Laboratories
Classification: Benign. Last evaluated: 2025-04-23. Review status: criteria provided, single submitter. Criteria: ARUP Molecular Germline Variant Investigation Process 2024. Collection method: clinical testing. Allele origin: germline.

Laboratory of Genetics, Children's Clinical University Hospital Latvia
Classification: Benign. Last evaluated: 2025-02-16. Review status: criteria provided, single submitter. Criteria: ACMG Guidelines, 2015. Collection method: clinical testing. Allele origin: germline. Affected: yes.

Blueprint Genetics
Classification: Likely benign. Last evaluated: 2024-11-27. Review status: criteria provided, single submitter. Criteria: ACMG Guidelines, 2015. Collection method: clinical testing. Allele origin: germline.

Molecular Genetics, Royal Melbourne Hospital
Classification: Benign for Progressive external ophthalmoplegia with mitochondrial DNA deletions, autosomal recessive 1. Last evaluated: 2023-10-06. Review status: criteria provided, single submitter. Criteria: ACMG Guidelines, 2015. Collection method: clinical testing. Allele origin: germline. Inheritance: Autosomal recessive inheritance.

Genome Diagnostics Laboratory, The Hospital for Sick Children
Classification: Likely benign for Hereditary spastic paraplegia. Last evaluated: 2021-11-10. Review status: criteria provided, single submitter. Criteria: ACMG Guidelines, 2015. Collection method: clinical testing. Allele origin: germline. Affected: yes.

Cambridge Genomics Laboratory, East Genomic Laboratory Hub, NHS Genomic Medicine Service
Classification: Likely benign for Neuromuscular disease. Last evaluated: 2020-05-14. Review status: criteria provided, single submitter. Criteria: ACGS Best Practice Guidelines for Variant Classification in Rare Disease 2020. Collection method: clinical testing. Allele origin: germline. Affected: yes. Observed: 1 variant allele.

Genetic Services Laboratory, University of Chicago
Classification: Benign. Last evaluated: 2016-08-04. Review status: criteria provided, single submitter. Criteria: ACMG Guidelines, 2015. Collection method: clinical testing. Allele origin: germline. Affected: no.

Ambry Genetics
Classification: Benign for Inborn genetic diseases. Last evaluated: 2016-07-07. Review status: criteria provided, single submitter. Criteria: Ambry Variant Classification Scheme 2023. Collection method: clinical testing. Allele origin: germline.

GeneDx
Classification: Benign. Last evaluated: 2014-06-12. Review status: criteria provided, single submitter. Criteria: GeneDx Variant Classification (06012015). Collection method: clinical testing. Allele origin: germline. Affected: yes.
Comment: The variant is found in EPILEPSY,CHILD-EPI,MITONUC-MITOP panel(s).

Eurofins Ntd Llc (ga)
Classification: Benign. Last evaluated: 2014-03-12. Review status: criteria provided, single submitter. Criteria: EGL Classification Definitions 2015. Collection method: clinical testing. Allele origin: germline. Observed: 2 variant alleles, 2 heterozygotes.

PreventionGenetics, part of Exact Sciences
Classification: Benign for POLG-related condition. Last evaluated: 2020-03-27. Review status: no assertion criteria provided. Collection method: clinical testing. Allele origin: germline. Not counted in ClinVar's aggregate classification.
Comment: This variant is classified as benign based on ACMG/AMP sequence variant interpretation guidelines (Richards et al. 2015 PMID: 25741868, with internal and published modifications).

Mayo Clinic Laboratories, Mayo Clinic
Classification: Benign. Last evaluated: 2017-07-27. Review status: no assertion criteria provided. Collection method: clinical testing. Allele origin: unknown. Not counted in ClinVar's aggregate classification.

Clinical Genetics DNA and cytogenetics Diagnostics Lab, Erasmus MC, Erasmus Medical Center
Classification: Benign. Review status: no assertion criteria provided. Collection method: clinical testing. Allele origin: germline. Affected: yes. Study: VKGL Data-share Consensus. Not counted in ClinVar's aggregate classification.

Diagnostic Laboratory, Department of Genetics, University Medical Center Groningen
Classification: Benign. Review status: no assertion criteria provided. Collection method: clinical testing. Allele origin: germline. Affected: yes. Study: VKGL Data-share Consensus. Not counted in ClinVar's aggregate classification.

Genome Diagnostics Laboratory, Amsterdam University Medical Center
Classification: Benign. Review status: no assertion criteria provided. Collection method: clinical testing. Allele origin: germline. Affected: yes. Study: VKGL Data-share Consensus. Not counted in ClinVar's aggregate classification.

Genome Diagnostics Laboratory, University Medical Center Utrecht
Classification: Benign. Review status: no assertion criteria provided. Collection method: clinical testing. Allele origin: germline. Affected: yes. Study: VKGL Data-share Consensus. Not counted in ClinVar's aggregate classification.

Literature cited by the submitters: PubMed 23066759 (cited by Athena Diagnostics); PubMed 15181541 (cited by Athena Diagnostics); PubMed 16392637 (cited by Athena Diagnostics); PubMed 10827171 (cited by Athena Diagnostics); PubMed 30949164 (cited by Athena Diagnostics).

NM_002693.3(POLG):c.126GCA[10] (p.Gln55del)

Genes: POLG (DNA polymerase gamma, catalytic subunit; minus strand), POLGARF (POLG alternative reading frame; minus strand). Cytogenetic location: 15q26.1.
Variant type: Microsatellite.
Coding change: c.126GCA[10] on transcript NM_002693.3 (MANE Select); ten copies in a row of the 3-base unit GCA starting at c.126; the reference has 11 copies in a row; one copy, 3 bases deleted.
Protein change: p.Gln55del; deletes glutamine 55.
Molecular consequence: inframe deletion.
Genome position (GRCh38, 1-based): chr15:89,333,597-89,333,599, TGC deleted on the plus strand (GCA on the coding strand, the reverse complement: POLG is on the minus strand); deleting any 3 consecutive bases within chr15:89,333,597-89,333,629 gives the same sequence; the position shown is the placement nearest the transcript's 3' end. VCF-style (leftmost placement, unchanged base first): chr15-89333596-TTGC-T. GRCh37 (hg19) VCF-style: chr15-89876827-TTGC-T.
Other names: c.156_158delGCA (NM_002693.2, NM_002693.3); c.126GCA[10], p.Gln55del (NM_001126131.2); short protein forms Q55del.
Identifiers: ClinVar variation 167521 (VCV000167521.73), dbSNP rs41550117, ClinGen allele CA295632.
Genomic context (GRCh38, chr15:89,333,596, plus strand): 5'-TGGGTTGTGCCGCAGCTGCCCGCCCTCCGAGGATAGCACTTGCGGCTGCTGAGGCTGCTG[TTGC>T]TGCTGCTGCTGCTGCTGCTGCTGCTGCTGCCGCCGCCGCTGCCCGTCGCTGGGGTCGGAC-3'